The following is an entry in ClinVar:

ClinVar aggregate classification (germline): Likely pathogenic (1 of 4 stars; one submission).

Conditions:
Alport syndrome. Also called: Hemorrhagic familial nephritis; Hemorrhagic hereditary nephritis; Congenital hereditary hematuria. Identifiers: Orphanet 63, MedGen C1567741, MONDO:0018965.

gnomAD v4.1: 2 of 1,582,802 alleles (0.00013%); highest among the groups gnomAD compares: South Asian, 0.0012%; no homozygotes.

Submission:

Natera, Inc.
Classification: Likely pathogenic for Alport syndrome. Last evaluated: 2025-12-29. Review status: criteria provided, single submitter. Criteria: Natera Variant Classification Schema (03/2026). Collection method: clinical testing. Allele origin: germline.
Comment: The c.365G>A variant in COL4A4 is a missense variant predicted to cause substitution of glycine to aspartic acid at amino acid 122. This variant is rare in the general population with a frequency below the threshold expected for the associated phenotype(s). This variant is located in a functionally critical region of the protein. Computational prediction algorithms indicate this variant is likely to affect gene or protein function. Given the available evidence, this variant is classified as Likely Pathogenic.

NM_000092.5(COL4A4):c.365G>A (p.Gly122Asp)

Gene: COL4A4 (collagen type IV alpha 4 chain; minus strand). Cytogenetic location: 2q36.3.
Variant type: single nucleotide variant.
Coding change: c.365G>A on transcript NM_000092.5 (MANE Select); coding-DNA position 365, G replaced by A.
Protein change: p.Gly122Asp; replaces glycine 122 with aspartic acid.
Molecular consequence: missense variant.
Genome position (GRCh38, 1-based): chr2:227,119,902, C>T on the plus strand (G>A on the coding strand, the complement: COL4A4 is on the minus strand). VCF-style: chr2-227119902-C-T. GRCh37 (hg19) VCF-style: chr2-227984618-C-T.
Other names: short protein forms G122D.
Identifiers: ClinVar variation 4817337 (VCV004817337.1).